The following is an entry in ClinVar:

NM_000059.4(BRCA2):c.5222G>C (p.Ser1741Thr)

Gene: BRCA2 (BRCA2 DNA repair associated; plus strand). Cytogenetic location: 13q13.1.
Variant type: single nucleotide variant.
Coding change: c.5222G>C on transcript NM_000059.4 (MANE Select); coding-DNA position 5222, G replaced by C.
Protein change: p.Ser1741Thr; replaces serine 1741 with threonine.
Molecular consequence: missense variant.
Genome position (GRCh38, 1-based): chr13:32,339,577, G>C. VCF-style: chr13-32339577-G-C. GRCh37 (hg19) VCF-style: chr13-32913714-G-C.
Other names: short protein forms S1741T.
Identifiers: ClinVar variation 483064 (VCV000483064.7), dbSNP rs1555284119, ClinGen allele CA387784640.

ClinVar aggregate classification (germline): Conflicting classifications of pathogenicity. Review status: criteria provided, conflicting classifications (1 of 4 stars). 2 submissions from 2 submitters: Uncertain significance (1); Likely benign (1). Last evaluated 2023-03-23.

Conditions:
Hereditary cancer-predisposing syndrome. Also called: Neoplastic Syndromes, Hereditary; Tumor predisposition; Hereditary Cancer Syndrome; Hereditary neoplastic syndrome. Identifiers: Orphanet 140162, MedGen C0027672, MeSH D009386, MONDO:0015356.

Submissions (2):

University of Washington Department of Laboratory Medicine, University of Washington
Classification: Likely benign for Hereditary cancer-predisposing syndrome. Last evaluated: 2023-03-23. Review status: criteria provided, single submitter. Criteria: Dines et al. (Genet Med. 2020). Collection method: curation. Allele origin: germline.
Comment: Missense variant in a coldspot region where missense variants are very unlikely to be pathogenic (PMID:31911673).

BRCA2 exon 11 coldspot. Reclassification based on statistical prior probability.

Ambry Genetics
Classification: Uncertain significance for Hereditary cancer-predisposing syndrome. Last evaluated: 2016-12-06. Review status: criteria provided, single submitter. Criteria: Ambry Variant Classification Scheme 2023. Collection method: clinical testing. Allele origin: germline.
Comment: The p.S1741T variant (also known as c.5222G>C), located in coding exon 10 of the BRCA2 gene, results from a G to C substitution at nucleotide position 5222. The serine at codon 1741 is replaced by threonine, an amino acid with similar properties. This amino acid position is not well conserved in available vertebrate species. In addition, this alteration is predicted to be tolerated by in silico analysis. Since supporting evidence is limited at this time, the clinical significance of this alteration remains unclear.